The following is an entry in ClinVar:

ClinVar aggregate classification (germline): Uncertain significance. Review status: criteria provided, multiple submitters, no conflicts (2 of 4 stars). 3 submissions from 3 submitters: Uncertain significance (3). Last evaluated 2025-04-23.

Allele frequency attached by ClinVar (database versions not stated): gnomAD exomes 0.00006; ExAC 0.00007; 1000 Genomes Project 30x 0.00016; 1000 Genomes Project 0.00020; gnomAD 0.00032 and 0.00035; TOPMed 0.00036; ESP Exome Variant Server 0.00039.
gnomAD v4.1: 93 of 1,608,806 alleles (0.0058%); highest among the groups gnomAD compares: African/African-American, 0.1%; no homozygotes.

Submissions (3):

Women's Health and Genetics/Laboratory Corporation of America, LabCorp
Classification: Uncertain significance. Last evaluated: 2025-04-23. Review status: criteria provided, single submitter. Criteria: LabCorp Variant Classification Summary - May 2015. Collection method: clinical testing. Allele origin: germline.
Comment: Variant summary: NARS2 c.840C>G (p.Phe280Leu) results in a non-conservative amino acid change in the encoded protein sequence. Three of five in-silico tools predict a damaging effect of the variant on protein function. The variant allele was found at a frequency of 6e-05 in 248282 control chromosomes. This frequency is not significantly higher than estimated for a pathogenic variant in NARS2 causing Combined Oxidative Phosphorylation Deficiency 24, allowing no conclusion about variant significance. To our knowledge, no occurrence of c.840C>G in individuals affected with Combined Oxidative Phosphorylation Deficiency 24 and no experimental evidence demonstrating its impact on protein function have been reported. ClinVar contains an entry for this variant (Variation ID: 1358005). Based on the evidence outlined above, the variant was classified as uncertain significance.

Blueprint Genetics
Classification: Uncertain significance. Last evaluated: 2024-02-20. Review status: criteria provided, single submitter. Criteria: ACMG Guidelines, 2015. Collection method: clinical testing. Allele origin: germline.

Labcorp Genetics (formerly Invitae), Labcorp
Classification: Uncertain significance. Last evaluated: 2022-10-25. Review status: criteria provided, single submitter. Criteria: Invitae Variant Classification Sherloc (09022015). Collection method: clinical testing. Allele origin: germline.
Comment: This sequence change replaces phenylalanine, which is neutral and non-polar, with leucine, which is neutral and non-polar, at codon 280 of the NARS2 protein (p.Phe280Leu). This variant is present in population databases (rs148381261, gnomAD 0.09%). This variant has not been reported in the literature in individuals affected with NARS2-related conditions. ClinVar contains an entry for this variant (Variation ID: 1358005). Advanced modeling of protein sequence and biophysical properties (such as structural, functional, and spatial information, amino acid conservation, physicochemical variation, residue mobility, and thermodynamic stability) performed at Invitae indicates that this missense variant is not expected to disrupt NARS2 protein function. In summary, the available evidence is currently insufficient to determine the role of this variant in disease. Therefore, it has been classified as a Variant of Uncertain Significance.

NM_024678.6(NARS2):c.840C>G (p.Phe280Leu)

Gene: NARS2 (asparaginyl-tRNA synthetase 2, mitochondrial; minus strand). Cytogenetic location: 11q14.1.
Variant type: single nucleotide variant.
Coding change: c.840C>G on transcript NM_024678.6 (MANE Select); coding-DNA position 840, C replaced by G.
Protein change: p.Phe280Leu; replaces phenylalanine 280 with leucine.
Molecular consequence: missense variant.
Genome position (GRCh38, 1-based): chr11:78,478,666, G>C on the plus strand (C>G on the coding strand, the complement: NARS2 is on the minus strand). VCF-style: chr11-78478666-G-C. GRCh37 (hg19) VCF-style: chr11-78189712-G-C.
Other names: c.159C>G, p.Phe53Leu (NM_001243251.2); short protein forms F53L, F280L.
Identifiers: ClinVar variation 1358005 (VCV001358005.6), dbSNP rs148381261, ClinGen allele CA6205682.